The following is an entry in ClinVar:

NM_001040142.2(SCN2A):c.3589T>A (p.Leu1197Met)

Gene: SCN2A (sodium voltage-gated channel alpha subunit 2; plus strand). Cytogenetic location: 2q24.3.
Variant type: single nucleotide variant.
Coding change: c.3589T>A on transcript NM_001040142.2 (MANE Select); coding-DNA position 3589, T replaced by A.
Protein change: p.Leu1197Met; replaces leucine 1197 with methionine.
Molecular consequence: missense variant.
Genome position (GRCh38, 1-based): chr2:165,367,285, T>A. VCF-style: chr2-165367285-T-A. GRCh37 (hg19) VCF-style: chr2-166223795-T-A.
Other names: c.3589T>A, p.Leu1197Met (NM_001040143.2, NM_001371246.1, NM_001371247.1 and 1 more transcripts); short protein forms L1197M.
Identifiers: ClinVar variation 1488287 (VCV001488287.6), dbSNP rs2105359679, ClinGen allele CA349026003.

ClinVar aggregate classification (germline): Uncertain significance (1 of 4 stars; one submission).

Conditions:
Developmental and epileptic encephalopathy, 11 (DEE11). Also called: Early infantile epileptic encephalopathy 11. Identifiers: Orphanet 1934, MedGen C3150987, MONDO:0013388, OMIM 613721.
Seizures, benign familial infantile, 3 (BFIS3). Also called: CONVULSIONS, BENIGN FAMILIAL INFANTILE, 3; Familial neonatal seizures. Identifiers: Orphanet 140927, Orphanet 306, MedGen C1843140, MONDO:0011904, OMIM 607745.

Submission:

Labcorp Genetics (formerly Invitae), Labcorp
Classification: Uncertain significance for Seizures, benign familial infantile, 3; Developmental and epileptic encephalopathy, 11. Last evaluated: 2022-05-25. Review status: criteria provided, single submitter. Criteria: Invitae Variant Classification Sherloc (09022015). Collection method: clinical testing. Allele origin: germline.
Comment: This variant has not been reported in the literature in individuals affected with SCN2A-related conditions. In summary, the available evidence is currently insufficient to determine the role of this variant in disease. Therefore, it has been classified as a Variant of Uncertain Significance. Algorithms developed to predict the effect of missense changes on protein structure and function are either unavailable or do not agree on the potential impact of this missense change (SIFT: "Deleterious"; PolyPhen-2: "Probably Damaging"; Align-GVGD: "Class C0"). This variant is not present in population databases (gnomAD no frequency). This sequence change replaces leucine, which is neutral and non-polar, with methionine, which is neutral and non-polar, at codon 1197 of the SCN2A protein (p.Leu1197Met).